The following is an entry in ClinVar:

NM_080732.4(EGLN2):c.230G>T (p.Arg77Leu)

Genes: EGLN2 (egl-9 family hypoxia inducible factor 2; plus strand), RAB4B-EGLN2 (RAB4B-EGLN2 readthrough (NMD candidate); plus strand). Cytogenetic location: 19q13.2.
Variant type: single nucleotide variant.
Coding change: c.230G>T on transcript NM_080732.4 (MANE Select); coding-DNA position 230, G replaced by T.
Protein change: p.Arg77Leu; replaces arginine 77 with leucine.
Molecular consequence: missense variant. On other transcripts: non-coding transcript variant (1).
Genome position (GRCh38, 1-based): chr19:40,800,802, G>T. VCF-style: chr19-40800802-G-T. GRCh37 (hg19) VCF-style: chr19-41306707-G-T.
Other names: c.230G>T, p.Arg77Leu (NM_053046.4); short protein forms R77L.
Identifiers: ClinVar variation 3228989 (VCV003228989.1), dbSNP rs541800008, ClinGen allele CA405954822.

ClinVar aggregate classification (germline): Uncertain significance (1 of 4 stars; one submission).

Submission:

Ambry Genetics
Classification: Uncertain significance. Last evaluated: 2024-03-09. Review status: criteria provided, single submitter. Criteria: Ambry Variant Classification Scheme 2023. Collection method: clinical testing. Allele origin: germline.
Comment: The p.R77L variant (also known as c.230G>T), located in coding exon 1 of the EGLN2 gene, results from a G to T substitution at nucleotide position 230. The arginine at codon 77 is replaced by leucine, an amino acid with dissimilar properties. This amino acid position is conserved. In addition, this alteration is predicted to be tolerated by in silico analysis. Based on the available evidence, the clinical significance of this alteration remains unclear.